The following is an entry in ClinVar:

NM_007294.4(BRCA1):c.-19-2A>T

Gene: BRCA1 (BRCA1 DNA repair associated; minus strand). Cytogenetic location: 17q21.31.
Variant type: single nucleotide variant.
Coding change: c.-19-2A>T on transcript NM_007294.4 (MANE Select); the canonical splice acceptor site of the intron before 19 bases upstream of the start codon, A replaced by T.
Molecular consequence: splice acceptor variant. On other transcripts: intron variant (66), 5 prime UTR variant (10).
Genome position (GRCh38, 1-based): chr17:43,124,117, T>A on the plus strand (A>T on the coding strand, the complement: BRCA1 is on the minus strand). VCF-style: chr17-43124117-T-A. GRCh37 (hg19) VCF-style: chr17-41276134-T-A.
Other names: c.-19-2A>T (NM_001407669.1, NM_001407979.1, NM_001407977.1 and 159 more transcripts); c.-276-2A>T (NM_001407724.1, NM_001408468.1, NM_001407842.1 and 11 more transcripts); c.-305-2A>T (NM_001407697.1, NM_001407846.1, NM_001407920.1); c.-279-2A>T (NM_001407838.1, NM_001408410.1, NM_001407752.1 and 22 more transcripts); c.-283-2A>T (NM_001407741.1, NM_001407934.1, NM_001408497.1); c.-207-2A>T (NM_001408485.1, NM_001407908.1, NM_001407882.1 and 41 more transcripts); c.-219+1154A>T (NM_001407966.1); c.-170+1154A>T (NM_001407963.1); and 28 more.
Identifiers: ClinVar variation 867642 (VCV000867642.2), dbSNP rs886040902, ClinGen allele CA916081178.
Genomic context (GRCh38, chr17:43,124,117, plus strand): 5'-CATTTTGTACTTCTTCAACGCGAAGAGCAGATAAATCCATTTCTTTCTGTTCCAATGAAC[T>A]TTAACACATTAGAAAAACATATATATATATCTTTTTAAAAGGTTTATAAAATGACAACTT-3'

Conditions:
Breast-ovarian cancer, familial, susceptibility to, 1 (BROVCA1). Also called: BRCA1 Hereditary Breast and Ovarian Cancer; OVARIAN CANCER, SUSCEPTIBILITY TO. Identifiers: Orphanet 145, MedGen C2676676, MONDO:0011450, OMIM 604370. Disease mechanism: loss of function.

Submission:

Brotman Baty Institute, University of Washington
No classification provided (evidence only). Condition: Breast-ovarian cancer, familial 1. Review status: no classification provided. Collection method: in vitro. Allele origin: not applicable. Functional consequence: functionally_normal.
ClinVar note: "not provided" was previously submitted as the classification for the variant. However, the classification appeared to be based only on an observation of functional data so it was converted to no classification on 2025-07-30.